The following is an entry in ClinVar:

ClinVar aggregate classification (germline): Uncertain significance (1 of 4 stars; one submission).

Conditions:
Inborn genetic diseases. Identifiers: MedGen C0950123, MeSH D030342.

gnomAD v4.1: 2 of 1,609,858 alleles (0.00012%); highest among the groups gnomAD compares: Non-Finnish European, 0.000085%; no homozygotes.

Submission:

Ambry Genetics
Classification: Uncertain significance for Inborn genetic diseases. Last evaluated: 2026-03-12. Review status: criteria provided, single submitter. Criteria: Ambry Variant Classification Scheme 2023. Collection method: clinical testing. Allele origin: germline.
Comment: The p.P483L variant (also known as c.1448C>T), located in coding exon 13 of the ANKRD26 gene, results from a C to T substitution at nucleotide position 1448. The proline at codon 483 is replaced by leucine, an amino acid with similar properties. This amino acid position is conserved. In addition, this alteration is predicted to be tolerated by in silico analysis. Based on the available evidence, the clinical significance of this variant remains unclear.

NM_014915.3(ANKRD26):c.1448C>T (p.Pro483Leu)

Gene: ANKRD26 (ankyrin repeat domain 26; minus strand). Cytogenetic location: 10p12.1.
Variant type: single nucleotide variant.
Coding change: c.1448C>T on transcript NM_014915.3 (MANE Select); coding-DNA position 1448, C replaced by T.
Protein change: p.Pro483Leu; replaces proline 483 with leucine.
Molecular consequence: missense variant.
Genome position (GRCh38, 1-based): chr10:27,061,158, G>A on the plus strand (C>T on the coding strand, the complement: ANKRD26 is on the minus strand). VCF-style: chr10-27061158-G-A. GRCh37 (hg19) VCF-style: chr10-27350087-G-A.
Other names: c.1448C>T, p.Pro483Leu (NM_001256053.2); short protein forms P483L.
Identifiers: ClinVar variation 4825358 (VCV004825358.1).